The following is an entry in ClinVar:

NM_001367949.2(FAT3):c.12384C>T (p.Tyr4128=)

Gene: FAT3 (FAT atypical cadherin 3; plus strand). Cytogenetic location: 11q14.3.
Variant type: single nucleotide variant.
Coding change: c.12384C>T on transcript NM_001367949.2 (MANE Select); coding-DNA position 12384, C replaced by T.
Protein change: p.Tyr4128=; no amino-acid change (tyrosine 4128 retained).
Molecular consequence: synonymous variant.
Genome position (GRCh38, 1-based): chr11:92,882,840, C>T. VCF-style: chr11-92882840-C-T. GRCh37 (hg19) VCF-style: chr11-92616006-C-T.
Other names: c.12384C>T, p.Tyr4128= (NM_001008781.3).
Identifiers: ClinVar variation 783643 (VCV000783643.6), dbSNP rs58474174, ClinGen allele CA6228548.
Genomic context (GRCh38, chr11:92,882,840, plus strand): 5'-GAACGGAGGCTCCTGCGTGAACGTGTTCGGCTCCTTCCTCTGCAACTGCACGCCGGGCTA[C>T]GTGGGCCAGTACTGCGGGCTGCGCCCCGTGGTGGTACCCAATATCCAGGCTGGCCACTCC-3'
Protein context (NP_001354878.1, residues 4118-4138): GSFLCNCTPG[Tyr4128=]VGQYCGLRPV

ClinVar aggregate classification (germline): Benign. Review status: criteria provided, multiple submitters, no conflicts (2 of 4 stars). 3 submissions from 3 submitters: Benign (2). 1 of the submissions does not count toward it. Last evaluated 2018-04-26.

Conditions:
FAT3-related disorder. Also called: FAT3-related condition.

Allele frequency attached by ClinVar (database versions not stated): gnomAD exomes 0.00702 and 0.00280; gnomAD 0.03357 and 0.03159; ExAC 0.00945; TOPMed 0.03563; 1000 Genomes Project 0.03634; 1000 Genomes Project 30x 0.04060; ESP Exome Variant Server 0.03121.
gnomAD v4.1: 9,018 of 1,611,728 alleles (0.56%); highest among the groups gnomAD compares: African/African-American, 11%; 474 homozygotes.

Submissions (3):

Labcorp Genetics (formerly Invitae), Labcorp
Classification: Benign. Last evaluated: 2018-04-26. Review status: criteria provided, single submitter. Criteria: Invitae Variant Classification Sherloc (09022015). Collection method: clinical testing. Allele origin: germline.

Breakthrough Genomics
Classification: Benign. Review status: criteria provided, single submitter. Criteria: ACMG Guidelines, 2015. Collection method: not provided. Allele origin: germline. Inheritance: Unknown mechanism. Affected: yes.

PreventionGenetics, part of Exact Sciences
Classification: Benign for FAT3-related condition. Last evaluated: 2019-03-25. Review status: no assertion criteria provided. Collection method: clinical testing. Allele origin: germline. Not counted in ClinVar's aggregate classification.
Comment: This variant is classified as benign based on ACMG/AMP sequence variant interpretation guidelines (Richards et al. 2015 PMID: 25741868, with internal and published modifications).